The following is an entry in ClinVar:

ClinVar aggregate classification (germline): Likely pathogenic (1 of 4 stars; one submission).

Conditions:
Junctional epidermolysis bullosa gravis of Herlitz. Also called: Herlitz-type junctional epidermolysis bullosa; Epidermolysis Bullosa Letalis; EPIDERMOLYSIS BULLOSA, JUNCTIONAL 1B, SEVERE; EPIDERMOLYSIS BULLOSA JUNCTIONALIS, HERLITZ TYPE; EPIDERMOLYSIS BULLOSA, JUNCTIONAL, HERLITZ-PEARSON TYPE; JEB-HERLITZ TYPE. Identifiers: Orphanet 79404, MedGen C0079683, MONDO:0009182, OMIM 226700.

Submission:

Myriad Genetics, Inc.
Classification: Likely pathogenic for Junctional epidermolysis bullosa gravis of Herlitz. Last evaluated: 2020-02-07. Review status: criteria provided, single submitter. Criteria: Myriad Women's Health Autosomal Recessive and X-Linked Classification Criteria (2019). Collection method: clinical testing. Allele origin: unknown.
Comment: NM_005562.2(LAMC2):c.2719C>T(Q907*) is expected to be pathogenic in the context of junctional epidermolysis bullosa, LAMC2-related. This variant is predicted to lead to an abnormal or absent protein product due to the creation of a premature termination codon in LAMC2, a gene where loss-of-function variants are known to be pathogenic. Please note: this variant was assessed in the context of healthy population screening.

NM_005562.3(LAMC2):c.2719C>T (p.Gln907Ter)

Gene: LAMC2 (laminin subunit gamma 2; plus strand). Cytogenetic location: 1q25.3.
Variant type: single nucleotide variant.
Coding change: c.2719C>T on transcript NM_005562.3 (MANE Select); coding-DNA position 2719, C replaced by T.
Protein change: p.Gln907Ter; replaces glutamine 907 with a stop codon.
Molecular consequence: nonsense.
Genome position (GRCh38, 1-based): chr1:183,237,469, C>T. VCF-style: chr1-183237469-C-T. GRCh37 (hg19) VCF-style: chr1-183206604-C-T.
Other names: c.2719C>T, p.Gln907Ter (NM_018891.3); short protein forms Q907*.
Identifiers: ClinVar variation 983664 (VCV000983664.3), dbSNP rs1660001741, ClinGen allele CA343698729.